The following is an entry in ClinVar:

NM_002474.3(MYH11):c.5405A>C (p.His1802Pro)

Genes: MYH11 (myosin heavy chain 11; minus strand), NDE1 (nudE neurodevelopment protein 1; plus strand). Cytogenetic location: 16p13.11.
Variant type: single nucleotide variant.
Coding change: c.5405A>C on transcript NM_002474.3 (MANE Select); coding-DNA position 5405, A replaced by C.
Protein change: p.His1802Pro; replaces histidine 1802 with proline.
Molecular consequence: missense variant. On other transcripts: intron variant (2).
Genome position (GRCh38, 1-based): chr16:15,717,239, T>G on the plus strand (A>C on the coding strand, the complement: MYH11 is on the minus strand). VCF-style: chr16-15717239-T-G. GRCh37 (hg19) VCF-style: chr16-15811096-T-G.
Other names: c.5426A>C, p.His1809Pro (NM_001040113.2, NM_001040114.2); c.5405A>C, p.His1802Pro (NM_022844.3); c.948-6952T>G (NM_001143979.2, NM_017668.3); short protein forms H1802P, H1809P.
Identifiers: ClinVar variation 2114517 (VCV002114517.4), dbSNP rs1259582668, ClinGen allele CA394848963.

ClinVar aggregate classification (germline): Uncertain significance (1 of 4 stars; one submission).

Conditions:
Aortic aneurysm, familial thoracic 4 (AAT4). Also called: AORTIC ANEURYSM/AORTIC DISSECTION AND PATENT DUCTUS ARTERIOSUS. Identifiers: MedGen C1851504, MONDO:0007568, OMIM 132900.

Submission:

Labcorp Genetics (formerly Invitae), Labcorp
Classification: Uncertain significance for Aortic aneurysm, familial thoracic 4. Last evaluated: 2024-07-10. Review status: criteria provided, single submitter. Criteria: Invitae Variant Classification Sherloc (09022015). Collection method: clinical testing. Allele origin: germline.
Comment: This sequence change replaces histidine, which is basic and polar, with proline, which is neutral and non-polar, at codon 1809 of the MYH11 protein (p.His1809Pro). This variant is not present in population databases (gnomAD no frequency). This variant has not been reported in the literature in individuals affected with MYH11-related conditions. ClinVar contains an entry for this variant (Variation ID: 2114517). Advanced modeling of protein sequence and biophysical properties (such as structural, functional, and spatial information, amino acid conservation, physicochemical variation, residue mobility, and thermodynamic stability) performed at Invitae indicates that this missense variant is not expected to disrupt MYH11 protein function with a negative predictive value of 95%. In summary, the available evidence is currently insufficient to determine the role of this variant in disease. Therefore, it has been classified as a Variant of Uncertain Significance.